The following is an entry in ClinVar:

ClinVar aggregate classification (germline): Uncertain significance (1 of 4 stars; one submission).

Conditions:
Congenital fibrosis of extraocular muscles. Also called: Congenital Fibrosis of the Extraocular Muscles. Identifiers: Orphanet 45358, MedGen C1302995, MONDO:0007614, HP:0001491.

Submission:

Broad Center for Mendelian Genomics, Broad Institute of MIT and Harvard
Classification: Uncertain significance for Congenital fibrosis of extraocular muscles. Last evaluated: 2024-03-13. Review status: criteria provided, single submitter. Criteria: ACMG Guidelines, 2015. Collection method: curation. Allele origin: germline. Inheritance: Autosomal dominant inheritance.
Comment: The p.Gly400Arg variant in TUBB has not been previously reported in individuals with TUBB-related disease. This variant was absent from large population studies. The number of missense variants reported in TUBB in the general population is lower than expected, suggesting there is little benign variation in this gene and slightly increasing the possibility that a missense variant in this gene may not be tolerated. The p.Gly400Arg variant is located in a region of TUBB that is essential to protein folding and stability, suggesting that this variant is in a functional domain and slightly supports pathogenicity (PMID: 23246003). Computational prediction tools and conservation analyses suggest that this variant may impact the protein, though this information is not predictive enough to determine pathogenicity. In summary, the clinical significance of the p.Gly400Arg variant is uncertain. ACMG/AMP Criteria applied: PM1_Supporting, PM2_Supporting, PP2, PP3 (Richards 2015).

Literature cited by the submitters: PubMed 39033378.

NM_178014.4(TUBB):c.1198G>C (p.Gly400Arg)

Gene: TUBB (tubulin beta class I; plus strand). Cytogenetic location: 6p21.33.
Variant type: single nucleotide variant.
Coding change: c.1198G>C on transcript NM_178014.4 (MANE Select); coding-DNA position 1198, G replaced by C.
Protein change: p.Gly400Arg; replaces glycine 400 with arginine.
Molecular consequence: missense variant. On other transcripts: non-coding transcript variant (1).
Genome position (GRCh38, 1-based): chr6:30,724,260, G>C. VCF-style: chr6-30724260-G-C. GRCh37 (hg19) VCF-style: chr6-30692037-G-C.
Other names: NR_120608.2:n.754G>C; c.1258G>C, p.Gly420Arg (NM_001293212.2); c.592G>C, p.Gly198Arg (NM_001293213.2); c.1066G>C, p.Gly356Arg (NM_001293214.2); c.982G>C, p.Gly328Arg (NM_001293215.2, NM_001293216.2); short protein forms G198R, G328R, G356R, G400R, G420R.
Identifiers: ClinVar variation 3061829 (VCV003061829.1), dbSNP rs2536610483, ClinGen allele CA363151480.
Genomic context (GRCh38, chr6:30,724,260, plus strand): 5'-CGCATCTCGGAGCAGTTCACTGCCATGTTCCGCCGGAAGGCCTTCCTCCACTGGTACACA[G>C]GCGAGGGCATGGACGAGATGGAGTTCACCGAGGCTGAGAGCAACATGAACGACCTCGTCT-3'
Protein context (NP_821133.1, residues 390-410): RRKAFLHWYT[Gly400Arg]EGMDEMEFTE